The following is an entry in ClinVar:

NM_001374828.1(ARID1B):c.4315G>A (p.Gly1439Arg)

Gene: ARID1B (AT-rich interaction domain 1B; plus strand). Cytogenetic location: 6q25.3.
Variant type: single nucleotide variant.
Coding change: c.4315G>A on transcript NM_001374828.1 (MANE Select); coding-DNA position 4315, G replaced by A.
Protein change: p.Gly1439Arg; replaces glycine 1439 with arginine.
Molecular consequence: missense variant.
Genome position (GRCh38, 1-based): chr6:157,196,248, G>A. VCF-style: chr6-157196248-G-A. GRCh37 (hg19) VCF-style: chr6-157517382-G-A.
Other names: c.3946G>A, p.Gly1316Arg (NM_020732.3); c.1816G>A, p.Gly606Arg (NM_001363725.2); c.4195G>A, p.Gly1399Arg (NM_001371656.1, NM_001374820.1); c.4156G>A, p.Gly1386Arg (NM_017519.3); short protein forms G1316R, G606R, G1386R, G1399R, G1439R.
Identifiers: ClinVar variation 434387 (VCV000434387.52), dbSNP rs199674889, ClinGen allele CA4067588.

ClinVar aggregate classification (germline): Conflicting classifications of pathogenicity. Review status: criteria provided, conflicting classifications (1 of 4 stars). 8 submissions from 8 submitters: Uncertain significance (1); Benign (2); Likely benign (4). 1 of the submissions does not count toward it. Last evaluated 2026-01-01.

Conditions:
Inborn genetic diseases. Identifiers: MedGen C0950123, MeSH D030342.
Coffin-Siris syndrome 1 (CSS1). Also called: Mental retardation, autosomal dominant 12; ARID1B-Related Coffin-Siris Syndrome. Identifiers: Orphanet 1465, MedGen C3281201, MONDO:0007617, OMIM 135900. Disease mechanism: gain of function.
ARID1B-Related Disorder. Identifiers: MedGen CN381337.

Allele frequency attached by ClinVar (database versions not stated): ESP Exome Variant Server 0.00008; gnomAD exomes 0.00015 and 0.00020; TOPMed 0.00017; ExAC 0.00018; gnomAD 0.00025 and 0.00026.
gnomAD v4.1: 260 of 1,613,188 alleles (0.016%); highest among the groups gnomAD compares: Admixed American, 0.022%; no homozygotes.

Submissions (8):

CeGaT Center for Human Genetics Tuebingen
Classification: Benign. Last evaluated: 2026-01-01. Review status: criteria provided, single submitter. Criteria: CeGaT Center For Human Genetics Tuebingen Variant Classification Criteria Version 2. Collection method: clinical testing. Allele origin: germline. Affected: yes. Observed: 4 variant alleles.
Comment: ARID1B: BS1, BS2

Labcorp Genetics (formerly Invitae), Labcorp
Classification: Likely benign. Last evaluated: 2025-10-13. Review status: criteria provided, single submitter. Criteria: Invitae Variant Classification Sherloc (09022015). Collection method: clinical testing. Allele origin: germline.

Laboratory of Genetics, Children's Clinical University Hospital Latvia
Classification: Likely benign. Last evaluated: 2025-02-16. Review status: criteria provided, single submitter. Criteria: ACMG Guidelines, 2015. Collection method: clinical testing. Allele origin: germline. Affected: yes.

Blueprint Genetics
Classification: Likely benign. Last evaluated: 2024-10-09. Review status: criteria provided, single submitter. Criteria: ACMG Guidelines, 2015. Collection method: clinical testing. Allele origin: germline.

Genome-Nilou Lab
Classification: Likely benign for Coffin-Siris syndrome 1. Last evaluated: 2021-07-15. Review status: criteria provided, single submitter. Criteria: ACMG Guidelines, 2015. Collection method: clinical testing. Allele origin: germline. Affected: no.

Genetic Services Laboratory, University of Chicago
Classification: Benign. Last evaluated: 2017-05-26. Review status: criteria provided, single submitter. Criteria: ACMG Guidelines, 2015. Collection method: clinical testing. Allele origin: germline. Affected: no.

Ambry Genetics
Classification: Uncertain significance for Inborn genetic diseases. Last evaluated: 2017-01-05. Review status: criteria provided, single submitter. Criteria: Ambry Variant Classification Scheme 2023. Collection method: clinical testing. Allele origin: germline.
Comment: The p.G1316R variant (also known as c.3946G>A), located in coding exon 16 of the ARID1B gene, results from a G to A substitution at nucleotide position 3946. The glycine at codon 1316 is replaced by arginine, an amino acid with dissimilar properties. This amino acid position is well conserved in available vertebrate species. In addition, the in silico prediction for this alteration is inconclusive. Since supporting evidence is limited at this time, the clinical significance of this variant remains unclear.

PreventionGenetics, part of Exact Sciences
Classification: Likely benign for ARID1B-related condition. Last evaluated: 2021-08-04. Review status: no assertion criteria provided. Collection method: clinical testing. Allele origin: germline. Not counted in ClinVar's aggregate classification.
Comment: This variant is classified as likely benign based on ACMG/AMP sequence variant interpretation guidelines (Richards et al. 2015 PMID: 25741868, with internal and published modifications).